The following is an entry in ClinVar:

ClinVar aggregate classification (germline): Benign/Likely benign. Review status: criteria provided, multiple submitters, no conflicts (2 of 4 stars). 2 submissions from 2 submitters: Benign (1); Likely benign (1). Last evaluated 2026-09-01.

Allele frequency attached by ClinVar (database versions not stated): 1000 Genomes Project 0.00319; gnomAD 0.00408 and 0.00451; TOPMed 0.00451.
gnomAD v4.1: 1,921 of 364,640 alleles (0.53%); highest among the groups gnomAD compares: Middle Eastern, 2.3%; 9 homozygotes.

Submissions (2):

CeGaT Center for Human Genetics Tuebingen
Classification: Benign. Last evaluated: 2026-09-01. Review status: criteria provided, single submitter. Criteria: CeGaT Center For Human Genetics Tuebingen Variant Classification Criteria Version 2. Collection method: clinical testing. Allele origin: germline. Affected: yes. Observed: 87 variant alleles.
Comment: KCNQ1OT1: BS1, BS2; KCNQ1: BS1, BS2

Blueprint Genetics
Classification: Likely benign. Last evaluated: 2024-11-27. Review status: criteria provided, single submitter. Criteria: ACMG Guidelines, 2015. Collection method: clinical testing. Allele origin: germline.

NM_000218.3(KCNQ1):c.1514+37682G>A

Genes: KCNQ1 (potassium voltage-gated channel subfamily Q member 1; plus strand), KCNQ1OT1 (KCNQ1 opposite strand/antisense transcript 1; minus strand). Cytogenetic location: 11p15.5.
Variant type: single nucleotide variant.
Coding change: c.1514+37682G>A on transcript NM_000218.3 (MANE Select); 37682 bases into the intron after coding-DNA position 1514, G replaced by A.
Molecular consequence: intron variant.
Genome position (GRCh38, 1-based): chr11:2,699,763, G>A. VCF-style: chr11-2699763-G-A. GRCh37 (hg19) VCF-style: chr11-2720993-G-A.
Other names: c.1244+37682G>A (NM_001406837.1); c.1418+37682G>A (NM_001406836.1); c.974+37682G>A (NM_001406838.1); c.1133+37682G>A (NM_181798.2).
Identifiers: ClinVar variation 1694629 (VCV001694629.32), dbSNP rs111227901, ClinGen allele CA13453870.